The following is an entry in ClinVar:

NM_020738.4(KIDINS220):c.4676G>A (p.Ser1559Asn)

Gene: KIDINS220 (kinase D interacting substrate 220; minus strand). Cytogenetic location: 2p25.1.
Variant type: single nucleotide variant.
Coding change: c.4676G>A on transcript NM_020738.4 (MANE Select); coding-DNA position 4676, G replaced by A.
Protein change: p.Ser1559Asn; replaces serine 1559 with asparagine.
Molecular consequence: missense variant. On other transcripts: intron variant (6).
Genome position (GRCh38, 1-based): chr2:8,731,360, C>T on the plus strand (G>A on the coding strand, the complement: KIDINS220 is on the minus strand). VCF-style: chr2-8731360-C-T. GRCh37 (hg19) VCF-style: chr2-8871490-C-T.
Other names: c.4679G>A, p.Ser1560Asn (NM_001348729.2); c.4622G>A, p.Ser1541Asn (NM_001348731.2); c.4619G>A, p.Ser1540Asn (NM_001348732.2); c.4508G>A, p.Ser1503Asn (NM_001348734.2); c.4505G>A, p.Ser1502Asn (NM_001348735.2); c.4379G>A, p.Ser1460Asn (NM_001348736.2); c.3882+2084G>A (NM_001348741.2, NM_001348742.2, NM_001348743.2); c.3996+2084G>A (NM_001348738.2); and 1 more; short protein forms S1541N, S1559N, S1460N, S1540N, S1502N, S1503N, S1560N.
Identifiers: ClinVar variation 4979173 (VCV004979173.1).

ClinVar aggregate classification (germline): Uncertain significance (1 of 4 stars; one submission).

Conditions:
KIDINS220-related disorder. Also called: KIDINS220-related condition.

gnomAD v4.1: 4 of 1,614,092 alleles (0.00025%); highest among the groups gnomAD compares: African/African-American, 0.004%; no homozygotes.

Submission:

PreventionGenetics, part of Exact Sciences
Classification: Uncertain significance for KIDINS220-related condition. Last evaluated: 2025-04-18. Review status: criteria provided, single submitter. Criteria: ACMG Guidelines, 2015. Collection method: clinical testing. Allele origin: germline.
Comment: The KIDINS220 c.4676G>A variant is predicted to result in the amino acid substitution p.Ser1559Asn. To our knowledge, this variant has not been reported in the literature. This variant is reported in 0.0083% of alleles in individuals of African descent in gnomAD. At this time, the clinical significance of this variant is uncertain due to the absence of conclusive functional and genetic evidence.